The following is an entry in ClinVar:

ClinVar aggregate classification (germline): Likely benign (0 of 4 stars; one submission).

Conditions:
CRYGD-related disorder. Also called: CRYGD-related condition.

Allele frequency attached by ClinVar (database versions not stated): TOPMed below 0.00001; gnomAD 0.00001.

Submission:

PreventionGenetics, part of Exact Sciences
Classification: Likely benign for CRYGD-related condition. Last evaluated: 2019-09-18. Review status: no assertion criteria provided. Collection method: clinical testing. Allele origin: germline.
Comment: This variant is classified as likely benign based on ACMG/AMP sequence variant interpretation guidelines (Richards et al. 2015 PMID: 25741868, with internal and published modifications).

NM_006891.4(CRYGD):c.279T>C (p.Tyr93=)

Genes: CRYGD (crystallin gamma D; minus strand), LOC100507443 (uncharacterized LOC100507443; plus strand). Cytogenetic location: 2q33.3.
Variant type: single nucleotide variant.
Coding change: c.279T>C on transcript NM_006891.4 (MANE Select); coding-DNA position 279, T replaced by C.
Protein change: p.Tyr93=; no amino-acid change (tyrosine 93 retained).
Molecular consequence: synonymous variant.
Genome position (GRCh38, 1-based): chr2:208,121,919, A>G on the plus strand (T>C on the coding strand, the complement: CRYGD is on the minus strand). VCF-style: chr2-208121919-A-G. GRCh37 (hg19) VCF-style: chr2-208986643-A-G.
Identifiers: ClinVar variation 3040075 (VCV003040075.2), dbSNP rs1245197314, ClinGen allele CA430964540.